The following is an entry in ClinVar:

NM_001013838.3(CARMIL2):c.448del (p.Asp150fs)

Gene: CARMIL2 (capping protein regulator and myosin 1 linker 2; plus strand). Cytogenetic location: 16q22.1.
Variant type: Deletion.
Coding change: c.448del on transcript NM_001013838.3 (MANE Select); coding-DNA position 448, one base deleted (G; older notation c.448delG).
Protein change: p.Asp150fs; shifts the reading frame from aspartic acid 150.
Molecular consequence: frameshift variant.
Genome position (GRCh38, 1-based): chr16:67,646,499, G deleted. VCF-style (leftmost placement, unchanged base first): chr16-67646498-TG-T. GRCh37 (hg19) VCF-style: chr16-67680401-TG-T.
Other names: c.448del, p.Asp150fs (NM_001317026.3); short protein forms D150fs.
Identifiers: ClinVar variation 2867144 (VCV002867144.3), dbSNP rs2543533875, ClinGen allele CA2739266846.
Genomic context (GRCh38, chr16:67,646,498, plus strand): 5'-GAGGCCCACACCAGCCTCCATGCTGGCTCGGCTGGAGAGAAGCAGCCCCTCGGAGTCCAC[TG>T]ACCCCTGCAGCCCCTGTGGTAAGGGTGAAGGCAGAGCCACAGGCCTTCCAGCCTGCCCCA-3'

ClinVar aggregate classification (germline): Pathogenic (1 of 4 stars; one submission).

Submission:

Labcorp Genetics (formerly Invitae), Labcorp
Classification: Pathogenic. Last evaluated: 2023-05-30. Review status: criteria provided, single submitter. Criteria: Invitae Variant Classification Sherloc (09022015). Collection method: clinical testing. Allele origin: germline.
Comment: This sequence change creates a premature translational stop signal (p.Asp150Thrfs*59) in the CARMIL2 gene. It is expected to result in an absent or disrupted protein product. Loss-of-function variants in CARMIL2 are known to be pathogenic (PMID: 27647349, 28112205). For these reasons, this variant has been classified as Pathogenic. This variant has not been reported in the literature in individuals affected with CARMIL2-related conditions. This variant is not present in population databases (gnomAD no frequency).

Literature cited by the submitters: PubMed 27647349; PubMed 28112205.